The following is an entry in ClinVar:

ClinVar aggregate classification (germline): Uncertain significance. Review status: criteria provided, multiple submitters, no conflicts (2 of 4 stars). 2 submissions from 2 submitters: Uncertain significance (2). Last evaluated 2024-07-26.

Allele frequency attached by ClinVar (database versions not stated): gnomAD exomes 0.00003 and 0.00009; gnomAD 0.00004 and 0.00009; TOPMed 0.00012; ExAC 0.00013; 1000 Genomes Project 30x 0.00031; 1000 Genomes Project 0.00040.
gnomAD v4.1: 58 of 1,613,196 alleles (0.0036%); highest among the groups gnomAD compares: East Asian, 0.078%; 1 homozygote.

Submissions (2):

Blueprint Genetics
Classification: Uncertain significance. Last evaluated: 2024-07-26. Review status: criteria provided, single submitter. Criteria: ACMG Guidelines, 2015. Collection method: clinical testing. Allele origin: germline.

Labcorp Genetics (formerly Invitae), Labcorp
Classification: Uncertain significance. Last evaluated: 2021-08-24. Review status: criteria provided, single submitter. Criteria: Invitae Variant Classification Sherloc (09022015). Collection method: clinical testing. Allele origin: germline.
Comment: This sequence change replaces cysteine with arginine at codon 1150 of the CRB2 protein (p.Cys1150Arg). The cysteine residue is highly conserved and there is a large physicochemical difference between cysteine and arginine. This variant is present in population databases (rs202022214, ExAC 0.2%). This variant has not been reported in the literature in individuals affected with CRB2-related conditions. Advanced modeling of protein sequence and biophysical properties (such as structural, functional, and spatial information, amino acid conservation, physicochemical variation, residue mobility, and thermodynamic stability) performed at Invitae indicates that this missense variant is expected to disrupt CRB2 protein function. In summary, the available evidence is currently insufficient to determine the role of this variant in disease. Therefore, it has been classified as a Variant of Uncertain Significance.

NM_173689.7(CRB2):c.3448T>C (p.Cys1150Arg)

Gene: CRB2 (crumbs cell polarity complex component 2; plus strand). Cytogenetic location: 9q33.3.
Variant type: single nucleotide variant.
Coding change: c.3448T>C on transcript NM_173689.7 (MANE Select); coding-DNA position 3448, T replaced by C.
Protein change: p.Cys1150Arg; replaces cysteine 1150 with arginine.
Molecular consequence: missense variant. On other transcripts: non-coding transcript variant (1).
Genome position (GRCh38, 1-based): chr9:123,374,637, T>C. VCF-style: chr9-123374637-T-C. GRCh37 (hg19) VCF-style: chr9-126136916-T-C.
Other names: short protein forms C1150R.
Identifiers: ClinVar variation 1021221 (VCV001021221.7), dbSNP rs202022214, ClinGen allele CA5232483.
Genomic context (GRCh38, chr9:123,374,637, plus strand): 5'-AGGTTGCCTGTCCCATCCAAGGAGTGCAGCCTGAATGTCACCTGCCTCGATGGCAGCCCA[T>C]GTGAGGGTGGCTCTCCCGCTGCCAACTGCAGCTGCCTGGAGGGTCTTGCTGGCCAGAGGT-3'
Protein context (NP_775960.4, residues 1140-1160): LNVTCLDGSP[Cys1150Arg]EGGSPAANCS